The following is an entry in ClinVar:

NM_006031.6(PCNT):c.3645C>A (p.Leu1215=)

Gene: PCNT (pericentrin; plus strand). Cytogenetic location: 21q22.3.
Variant type: single nucleotide variant.
Coding change: c.3645C>A on transcript NM_006031.6 (MANE Select); coding-DNA position 3645, C replaced by A.
Protein change: p.Leu1215=; no amino-acid change (leucine 1215 retained).
Molecular consequence: synonymous variant.
Genome position (GRCh38, 1-based): chr21:46,389,236, C>A. VCF-style: chr21-46389236-C-A. GRCh37 (hg19) VCF-style: chr21-47809151-C-A.
Other names: c.3291C>A, p.Leu1097= (NM_001315529.2).
Identifiers: ClinVar variation 3344699 (VCV003344699.1).

ClinVar aggregate classification (germline): Likely benign (0 of 4 stars; one submission).

Conditions:
PCNT-related disorder. Also called: PCNT-related condition.

Submission:

PreventionGenetics, part of Exact Sciences
Classification: Likely benign for PCNT-related condition. Last evaluated: 2024-07-02. Review status: no assertion criteria provided. Collection method: clinical testing. Allele origin: germline.
Comment: This variant is classified as likely benign based on ACMG/AMP sequence variant interpretation guidelines (Richards et al. 2015 PMID: 25741868, with internal and published modifications).